The following is an entry in ClinVar:

NM_001267550.2(TTN):c.68340C>T (p.Leu22780=)

Genes: TTN (titin; minus strand), TTN-AS1 (TTN antisense RNA 1; plus strand). Cytogenetic location: 2q31.2.
Variant type: single nucleotide variant.
Coding change: c.68340C>T on transcript NM_001267550.2 (MANE Select); coding-DNA position 68340, C replaced by T.
Protein change: p.Leu22780=; no amino-acid change (leucine 22780 retained).
Molecular consequence: synonymous variant.
Genome position (GRCh38, 1-based): chr2:178,578,175, G>A on the plus strand (C>T on the coding strand, the complement: TTN is on the minus strand). VCF-style: chr2-178578175-G-A. GRCh37 (hg19) VCF-style: chr2-179442902-G-A.
Other names: c.63417C>T, p.Leu21139= (NM_001256850.1); c.41145C>T, p.Leu13715= (NM_003319.4); c.60636C>T, p.Leu20212= (NM_133378.4); c.41520C>T, p.Leu13840= (NM_133432.3); c.41721C>T, p.Leu13907= (NM_133437.4).
Identifiers: ClinVar variation 1153149 (VCV001153149.15), dbSNP rs763640690, ClinGen allele CA1991123.

ClinVar aggregate classification (germline): Likely benign. Review status: criteria provided, multiple submitters, no conflicts (2 of 4 stars). 3 submissions from 3 submitters: Likely benign (3). Last evaluated 2025-08-08.

Conditions:
Cardiovascular phenotype. Identifiers: MedGen CN230736.
TTN-related disorder. Also called: TTN-related disorders; TTN-related condition; TTN-related disease.
Dilated cardiomyopathy 1G (CMD1G). Identifiers: Orphanet 154, MedGen C1858763, MONDO:0011400, OMIM 604145.
Autosomal recessive limb-girdle muscular dystrophy type 2J (LGMDR10). Also called: Limb-girdle muscular dystrophy, type 2J; MUSCULAR DYSTROPHY, LIMB-GIRDLE, AUTOSOMAL RECESSIVE 10. Identifiers: Orphanet 140922, MedGen C1837342, MONDO:0012127, OMIM 608807.

Allele frequency attached by ClinVar (database versions not stated): gnomAD 0.00001 and 0.00002; TOPMed 0.00001; gnomAD exomes below 0.00001; ExAC 0.00001.
gnomAD v4.1: 86 of 1,611,338 alleles (0.0053%); highest among the groups gnomAD compares: East Asian, 0.19%; no homozygotes.

Submissions (3):

PreventionGenetics, part of Exact Sciences
Classification: Likely benign for TTN-related condition. Last evaluated: 2025-08-08. Review status: criteria provided, single submitter. Criteria: ACMG Guidelines, 2015. Collection method: clinical testing. Allele origin: germline.
Comment: This variant is classified as likely benign based on ACMG/AMP sequence variant interpretation guidelines (Richards et al. 2015 PMID: 25741868, with internal and published modifications).

Labcorp Genetics (formerly Invitae), Labcorp
Classification: Likely benign for Dilated cardiomyopathy 1G; Autosomal recessive limb-girdle muscular dystrophy type 2J. Last evaluated: 2025-01-17. Review status: criteria provided, single submitter. Criteria: Invitae Variant Classification Sherloc (09022015). Collection method: clinical testing. Allele origin: germline.

Ambry Genetics
Classification: Likely benign for Cardiovascular phenotype. Last evaluated: 2021-07-08. Review status: criteria provided, single submitter. Criteria: Ambry Variant Classification Scheme 2023. Collection method: clinical testing. Allele origin: germline.